The following is an entry in ClinVar:

NM_001177701.3(IFT27):c.315G>A (p.Glu105=)

Genes: CACNG2-DT (CACNG2 divergent transcript; plus strand), IFT27 (intraflagellar transport 27; minus strand). Cytogenetic location: 22q12.3.
Variant type: single nucleotide variant.
Coding change: c.315G>A on transcript NM_001177701.3 (MANE Select); coding-DNA position 315, G replaced by A.
Protein change: p.Glu105=; no amino-acid change (glutamic acid 105 retained).
Molecular consequence: synonymous variant.
Genome position (GRCh38, 1-based): chr22:36,763,956, C>T on the plus strand (G>A on the coding strand, the complement: IFT27 is on the minus strand). VCF-style: chr22-36763956-C-T. GRCh37 (hg19) VCF-style: chr22-37160000-C-T.
Other names: c.315G>A, p.Glu105= (NM_001363003.2); c.312G>A, p.Glu104= (NM_006860.5).
Identifiers: ClinVar variation 2653110 (VCV002653110.24), dbSNP rs1938168901, ClinGen allele CA514360972.
Genomic context (GRCh38, chr22:36,763,956, plus strand): 5'-ACATGGGTGTCTGCAGCCCGTACCTGGGAGAGAGATGCCTGGAGCCTGTGACCGAGCCTT[C>T]TCCAGCCACTTGCTGCAGTTGTTGAAGGATTCTTCATTGGTCACATCATAGACGAGACAT-3'
Protein context (NP_001171172.1, residues 95-115): ESFNNCSKWL[Glu105=]KARSQAPGIS

ClinVar aggregate classification (germline): Likely benign (1 of 4 stars; one submission).

Allele frequency attached by ClinVar (database versions not stated): gnomAD exomes below 0.00001.
gnomAD v4.1: 5 of 1,614,186 alleles (0.00031%); highest among the groups gnomAD compares: Non-Finnish European, 0.00042%; no homozygotes.

Submission:

CeGaT Center for Human Genetics Tuebingen
Classification: Likely benign. Last evaluated: 2022-05-01. Review status: criteria provided, single submitter. Criteria: CeGaT Center For Human Genetics Tuebingen Variant Classification Criteria Version 2. Collection method: clinical testing. Allele origin: germline. Affected: yes. Observed: 1 variant allele.
Comment: IFT27: PM2:Supporting, BP4, BP7